The following is an entry in ClinVar:

ClinVar aggregate classification (germline): Uncertain significance (1 of 4 stars; one submission).

Conditions:
Fetal akinesia deformation sequence 1 (FADS1). Also called: Fetal akinesia sequence; Pena-Shokeir syndrome type I. Identifiers: Orphanet 994, MedGen C1276035, MONDO:0100101, OMIM 208150, HP:0001989.
Congenital myasthenic syndrome 11. Also called: Myasthenic syndrome, congenital, 11, associated with acetylcholine receptor deficiency; MYASTHENIC SYNDROME, CONGENITAL, Ie. Identifiers: Orphanet 590, MedGen C4225367, MONDO:0014588, OMIM 616326.

Allele frequency attached by ClinVar (database versions not stated): TOPMed below 0.00001.

Submission:

Labcorp Genetics (formerly Invitae), Labcorp
Classification: Uncertain significance for Congenital myasthenic syndrome 11; Fetal akinesia deformation sequence 1. Last evaluated: 2022-04-23. Review status: criteria provided, single submitter. Criteria: Invitae Variant Classification Sherloc (09022015). Collection method: clinical testing. Allele origin: germline.
Comment: This variant is not present in population databases (gnomAD no frequency). This sequence change replaces histidine, which is basic and polar, with glutamine, which is neutral and polar, at codon 384 of the RAPSN protein (p.His384Gln). This variant has not been reported in the literature in individuals affected with RAPSN-related conditions. In summary, the available evidence is currently insufficient to determine the role of this variant in disease. Therefore, it has been classified as a Variant of Uncertain Significance. Algorithms developed to predict the effect of missense changes on protein structure and function are either unavailable or do not agree on the potential impact of this missense change (SIFT: "Deleterious"; PolyPhen-2: "Possibly Damaging"; Align-GVGD: "Class C0").

NM_005055.5(RAPSN):c.1152C>A (p.His384Gln)

Gene: RAPSN (receptor associated protein of the synapse; minus strand). Cytogenetic location: 11p11.2.
Variant type: single nucleotide variant.
Coding change: c.1152C>A on transcript NM_005055.5 (MANE Select); coding-DNA position 1152, C replaced by A.
Protein change: p.His384Gln; replaces histidine 384 with glutamine.
Molecular consequence: missense variant.
Genome position (GRCh38, 1-based): chr11:47,438,746, G>T on the plus strand (C>A on the coding strand, the complement: RAPSN is on the minus strand). VCF-style: chr11-47438746-G-T. GRCh37 (hg19) VCF-style: chr11-47460297-G-T.
Other names: c.975C>A, p.His325Gln (NM_032645.5); short protein forms H325Q, H384Q.
Identifiers: ClinVar variation 2129815 (VCV002129815.4), dbSNP rs1432564243, ClinGen allele CA380327133.